The following is an entry in ClinVar:

NM_001039.4(SCNN1G):c.1654G>A (p.Val552Ile)

Gene: SCNN1G (sodium channel epithelial 1 subunit gamma; plus strand). Cytogenetic location: 16p12.2.
Variant type: single nucleotide variant.
Coding change: c.1654G>A on transcript NM_001039.4 (MANE Select); coding-DNA position 1654, G replaced by A.
Protein change: p.Val552Ile; replaces valine 552 with isoleucine.
Molecular consequence: missense variant.
Genome position (GRCh38, 1-based): chr16:23,215,173, G>A. VCF-style: chr16-23215173-G-A. GRCh37 (hg19) VCF-style: chr16-23226494-G-A.
Other names: c.1654G>A (NM_001039.3); short protein forms V552I.
Identifiers: ClinVar variation 1065571 (VCV001065571.3), dbSNP rs2141946564, ClinGen allele CA395103376.

ClinVar aggregate classification (germline): Uncertain significance. Review status: criteria provided, multiple submitters, no conflicts (2 of 4 stars). 2 submissions from 2 submitters: Uncertain significance (2). Last evaluated 2023-04-19.

Conditions:
Inborn genetic diseases. Identifiers: MedGen C0950123, MeSH D030342.
Bronchiectasis with or without elevated sweat chloride 3 (BESC3). Identifiers: Orphanet 60033, MedGen C2751324, MONDO:0013112, OMIM 613071.

Allele frequency attached by ClinVar (database versions not stated): gnomAD exomes below 0.00001.
gnomAD v4.1: 1 of 1,614,170 alleles (0.000062%); highest among the groups gnomAD compares: Non-Finnish European, 0.000085%; no homozygotes.

Submissions (2):

Ambry Genetics
Classification: Uncertain significance for Inborn genetic diseases. Last evaluated: 2023-04-19. Review status: criteria provided, single submitter. Criteria: Ambry Variant Classification Scheme 2023. Collection method: clinical testing. Allele origin: germline.

Johns Hopkins Genomics, Johns Hopkins University
Classification: Uncertain significance for Bronchiectasis with or without elevated sweat chloride 3. Last evaluated: 2021-04-29. Review status: criteria provided, single submitter. Criteria: ACMG Guidelines, 2015. Collection method: clinical testing. Allele origin: germline.
Comment: This SCNN1G variant is absent from a large population dataset and has not been reported in ClinVar nor the literature, to our knowledge. Three bioinformatic tools queried predict that this substitution would be tolerated and the valine residue at this position is evolutionarily conserved across all species assessed. We consider the clinical significance of c.1654G>A to be uncertain at this time.